The following is an entry in ClinVar:

ClinVar aggregate classification (germline): Uncertain significance (1 of 4 stars; one submission).

Conditions:
Gamma-aminobutyric acid transaminase deficiency (GABATD). Also called: GABA aminotransaminase deficiency; GABA transaminase deficiency; Gamma aminobutyrate transaminase deficiency; 4 alpha aminobutyrate transaminase deficiency. Identifiers: Orphanet 2066, MedGen C0342708, MONDO:0013166, OMIM 613163.

Submission:

Labcorp Genetics (formerly Invitae), Labcorp
Classification: Uncertain significance for Gamma-aminobutyric acid transaminase deficiency. Last evaluated: 2023-12-30. Review status: criteria provided, single submitter. Criteria: Invitae Variant Classification Sherloc (09022015). Collection method: clinical testing. Allele origin: germline.
Comment: This sequence change replaces glycine, which is neutral and non-polar, with arginine, which is basic and polar, at codon 333 of the ABAT protein (p.Gly333Arg). This variant is not present in population databases (gnomAD no frequency). This variant has not been reported in the literature in individuals affected with ABAT-related conditions. Advanced modeling of protein sequence and biophysical properties (such as structural, functional, and spatial information, amino acid conservation, physicochemical variation, residue mobility, and thermodynamic stability) performed at Invitae indicates that this missense variant is expected to disrupt ABAT protein function with a positive predictive value of 80%. In summary, the available evidence is currently insufficient to determine the role of this variant in disease. Therefore, it has been classified as a Variant of Uncertain Significance.

NM_020686.6(ABAT):c.997G>C (p.Gly333Arg)

Gene: ABAT (4-aminobutyrate aminotransferase; plus strand). Cytogenetic location: 16p13.2.
Variant type: single nucleotide variant.
Coding change: c.997G>C on transcript NM_020686.6 (MANE Select); coding-DNA position 997, G replaced by C.
Protein change: p.Gly333Arg; replaces glycine 333 with arginine.
Molecular consequence: missense variant.
Genome position (GRCh38, 1-based): chr16:8,774,932, G>C. VCF-style: chr16-8774932-G-C. GRCh37 (hg19) VCF-style: chr16-8868789-G-C.
Other names: c.997G>C, p.Gly333Arg (NM_000663.5, NM_001127448.2, NM_001386600.1 and 6 more transcripts); c.958G>C, p.Gly320Arg (NM_001386605.1); c.934G>C, p.Gly312Arg (NM_001386606.1, NM_001386607.1); c.904G>C, p.Gly302Arg (NM_001386608.1); c.862G>C, p.Gly288Arg (NM_001386610.1, NM_001386611.1); c.799G>C, p.Gly267Arg (NM_001386612.1, NM_001386613.1); c.751G>C, p.Gly251Arg (NM_001386614.1); c.1093G>C, p.Gly365Arg (NM_001386615.1); short protein forms G267R, G320R, G333R, G365R, G251R, G312R, G288R, G302R.
Identifiers: ClinVar variation 2706591 (VCV002706591.3), dbSNP rs2549110863, ClinGen allele CA394689828.
Genomic context (GRCh38, chr16:8,774,932, plus strand): 5'-TCTCTCTTCTCCGGCCAGCATGGCTGCGCCTTCTTGGTGGACGAGGTCCAGACCGGAGGA[G>C]GCTGCACGGGCAAGTTCTGGGCCCATGAGCACTGGGGCCTGGATGACCCAGCAGACGTGA-3'
Protein context (NP_065737.2, residues 323-343): FLVDEVQTGG[Gly333Arg]CTGKFWAHEH